The following is an entry in ClinVar:

NM_001350162.2(TEX15):c.8222+8T>C

Gene: TEX15 (testis expressed 15, meiosis and synapsis associated; minus strand). Cytogenetic location: 8p12.
Variant type: single nucleotide variant.
Coding change: c.8222+8T>C on transcript NM_001350162.2 (MANE Select); 8 bases into the intron after coding-DNA position 8222, T replaced by C.
Molecular consequence: intron variant.
Genome position (GRCh38, 1-based): chr8:30,839,898, A>G on the plus strand (T>C on the coding strand, the complement: TEX15 is on the minus strand). VCF-style: chr8-30839898-A-G. GRCh37 (hg19) VCF-style: chr8-30697414-A-G.
Other names: c.7073+8T>C (NM_031271.3).
Identifiers: ClinVar variation 3046249 (VCV003046249.3), dbSNP rs149889016, ClinGen allele CA4702369.

ClinVar aggregate classification (germline): Likely benign. Review status: criteria provided, single submitter (1 of 4 stars). 2 submissions from 2 submitters: Likely benign (1). 1 of the submissions does not count toward it. Last evaluated 2024-11-18.

Conditions:
TEX15-related disorder. Also called: TEX15-related condition.

Allele frequency attached by ClinVar (database versions not stated): ESP Exome Variant Server 0.00015; gnomAD exomes 0.00044; TOPMed 0.00047; gnomAD 0.00054; ExAC 0.00092; 1000 Genomes Project 30x 0.00328; 1000 Genomes Project 0.00379.
gnomAD v4.1: 739 of 1,593,000 alleles (0.046%); highest among the groups gnomAD compares: East Asian, 1.4%; 4 homozygotes.

Submissions (2):

Blueprint Genetics
Classification: Likely benign. Last evaluated: 2024-11-18. Review status: criteria provided, single submitter. Criteria: ACMG Guidelines, 2015. Collection method: clinical testing. Allele origin: germline.

PreventionGenetics, part of Exact Sciences
Classification: Benign for TEX15-related condition. Last evaluated: 2019-10-28. Review status: no assertion criteria provided. Collection method: clinical testing. Allele origin: germline. Not counted in ClinVar's aggregate classification.
Comment: This variant is classified as benign based on ACMG/AMP sequence variant interpretation guidelines (Richards et al. 2015 PMID: 25741868, with internal and published modifications).